The following is an entry in ClinVar:

NM_001360016.2(G6PD):c.679C>T (p.Arg227Trp)

Gene: G6PD (glucose-6-phosphate dehydrogenase; minus strand). Cytogenetic location: Xq28.
Variant type: single nucleotide variant.
Coding change: c.679C>T on transcript NM_001360016.2 (MANE Select); coding-DNA position 679, C replaced by T.
Protein change: p.Arg227Trp; replaces arginine 227 with tryptophan.
Molecular consequence: missense variant.
Genome position (GRCh38, 1-based): chrX:154,534,126, G>A on the plus strand (C>T on the coding strand, the complement: G6PD is on the minus strand). VCF-style: chrX-154534126-G-A. GRCh37 (hg19) VCF-style: chrX-153762341-G-A.
Other names: G6PD Radlowo; c.769C>T, p.Arg257Trp (NM_000402.4); c.679C>T, p.Arg227Trp (NM_001042351.3); short protein forms R227W, R257W.
Identifiers: ClinVar variation 1722659 (VCV001722659.5), dbSNP rs1557230213, ClinGen allele CA415236708.

ClinVar aggregate classification (germline): Pathogenic/Likely pathogenic. Review status: criteria provided, multiple submitters, no conflicts (2 of 4 stars). 3 submissions from 3 submitters: Pathogenic (1); Likely pathogenic (2). Last evaluated 2025-01-30.

Conditions:
Anemia, nonspherocytic hemolytic, due to G6PD deficiency (CNSHA1). Also called: Hemolytic anemia due to G6PD deficiency; Class I glucose-6-phosphate dehydrogenase deficiency; Favism, susceptibility to; ANEMIA, CONGENITAL, NONSPHEROCYTIC HEMOLYTIC, 1. Identifiers: Orphanet 466026, MedGen C2720289, MONDO:0010480, OMIM 300908.
G6PD deficiency. Also called: G6PD A-. Identifiers: MedGen C2939465, MONDO:0005775.

Allele frequency attached by ClinVar (database versions not stated): gnomAD exomes below 0.00001; gnomAD 0.00001.

Submissions (3):

Women's Health and Genetics/Laboratory Corporation of America, LabCorp
Classification: Likely pathogenic for G6PD deficiency. Last evaluated: 2025-01-30. Review status: criteria provided, single submitter. Criteria: LabCorp Variant Classification Summary - May 2015. Collection method: clinical testing. Allele origin: germline.
Comment: Variant summary: G6PD c.769C>T (p.Arg257Trp; also known as c.679C>T (p.Arg227Trp) or Radlowo in the literature) results in a non-conservative amino acid change located in the Glucose-6-phosphate dehydrogenase, NAD binding domain (IPR022674) of the encoded protein sequence. Five of five in-silico tools predict a damaging effect of the variant on protein function. The variant allele was found at a frequency of 5.5e-06 in 183178 control chromosomes (gnomAD). c.769C>T has been reported in the literature in individuals affected with glucose 6 phosphate dehydrogenase deficiency (Shen_2022, Jablonska-Skwiecinska_1999). These data indicate that the variant may be associated with disease. At least one publication reports experimental evidence evaluating an impact on protein function. The most pronounced variant effect results in <10% of normal activity (Jablonska-Skwiecinska_1999). The variant belongs to the class 2 of G6PD deficiency according to the WHO classification (Jablonska-Skwiecinska_1999, PMID: 22293322). The following publications have been ascertained in the context of this evaluation (PMID: 35065072, 36212142, 10571945). ClinVar contains an entry for this variant (Variation ID: 1722659). Based on the evidence outlined above, the variant was classified as likely pathogenic.

3billion
Classification: Likely pathogenic for Anemia, nonspherocytic hemolytic, due to G6PD deficiency. Last evaluated: 2024-06-20. Review status: criteria provided, single submitter. Criteria: ACMG Guidelines, 2015. Collection method: clinical testing. Allele origin: germline. Affected: yes.
Comment: The variant is observed at an extremely low frequency in the gnomAD v4.0.0 dataset (total allele frequency: <0.001%). Predicted Consequence/Location: Missense changes are a common disease-causing mechanism. In silico tool predictions suggest damaging effect of the variant on gene or gene product [REVEL: 0.92 (>=0.6, sensitivity 0.68 and specificity 0.92); 3Cnet: 0.96 (>=0.6, sensitivity 0.72 and precision 0.9)]. The same nucleotide change resulting in the same amino acid change has been previously reported to be associated with G6PD related disorder (ClinVar ID: VCV001722659 /PMID: 10571945).Different missense changes at the same codon (p.Arg227Gln, p.Arg227Leu) have been reported to be associated with G6PD-related disorder (ClinVar ID: VCV000010387, VCV000010395 /PMID: 1611091, 2572288). Therefore, this variant is classified as Likely pathogenic according to the recommendation of ACMG/AMP guideline.

Dunham Lab, University of Washington
Classification: Pathogenic for Anemia, nonspherocytic hemolytic, due to G6PD deficiency. Last evaluated: 2022-08-12. Review status: criteria provided, single submitter. Criteria: Bayesian ACMG Guidelines, 2018. Collection method: curation. Allele origin: maternal. Affected: yes.
Comment: Variant found in hemizygous brothers with deficiency, one with anemia (PP4). Decreased activity (1%) and stability in red blood cells (PS3). Affects same amino acid as pathogenic 227R>L (ClinVar ID 10387) (PM5). Below expected carrier frequency in gnomAD (PM2). Post_P 0.994 (odds of pathogenicity 1517, Prior_P 0.1).

Literature cited by the submitters: PubMed 36212142 (cited by Women's Health and Genetics/Laboratory Corporation of America, LabCorp); PubMed 35065072 (cited by Women's Health and Genetics/Laboratory Corporation of America, LabCorp); PubMed 10571945 (cited by 3 submitters); PubMed 1611091 (cited by 3billion).